The following is an entry in ClinVar:

NM_000368.5(TSC1):c.62T>C (p.Val21Ala)

Gene: TSC1 (TSC complex subunit 1; minus strand). Cytogenetic location: 9q34.13.
Variant type: single nucleotide variant.
Coding change: c.62T>C on transcript NM_000368.5 (MANE Select); coding-DNA position 62, T replaced by C.
Protein change: p.Val21Ala; replaces valine 21 with alanine.
Molecular consequence: missense variant. On other transcripts: 5 prime UTR variant (16), non-coding transcript variant (5), intron variant (2).
Genome position (GRCh38, 1-based): chr9:132,928,811, A>G on the plus strand (T>C on the coding strand, the complement: TSC1 is on the minus strand). VCF-style: chr9-132928811-A-G. GRCh37 (hg19) VCF-style: chr9-135804198-A-G.
Other names: c.62T>C, p.Val21Ala (NM_001162426.2, NM_001162427.2, NM_001406592.1 and 21 more transcripts); c.-198T>C (NM_001362177.2, NM_001406617.1, NM_001406619.1 and 3 more transcripts); c.-290T>C (NM_001406614.1); c.-427T>C (NM_001406615.1, NM_001406623.1); c.-394T>C (NM_001406616.1, NM_001406624.1); c.-816T>C (NM_001406626.1, NM_001406627.1, NM_001406628.1); c.-958T>C (NM_001406629.1); c.-1032T>C (NM_001406630.1); and 1 more; short protein forms V21A.
Identifiers: ClinVar variation 3974575 (VCV003974575.2).
Genomic context (GRCh38, chr9:132,928,811, plus strand): 5'-ATATTATTTTGCTAACCAGAATTGAGGTTCTCTTTAAAGACAGCTGTCACGTCGTCCCGC[A>G]CACCCAGCATGGGGGAGTCCAGCATGGCAAGAAGCTCCCCGACATTTGCTTGTTGGGCCA-3'
Protein context (NP_000359.1, residues 11-31): LAMLDSPMLG[Val21Ala]RDDVTAVFKE

ClinVar aggregate classification (germline): Uncertain significance. Review status: criteria provided, multiple submitters, no conflicts (2 of 4 stars). 2 submissions from 2 submitters: Uncertain significance (2). Last evaluated 2025-08-30.

Conditions:
Hereditary cancer-predisposing syndrome. Also called: Tumor predisposition; Neoplastic Syndromes, Hereditary; Hereditary Cancer Syndrome; Hereditary neoplastic syndrome. Identifiers: Orphanet 140162, MedGen C0027672, MeSH D009386, MONDO:0015356.
Tuberous sclerosis syndrome (TSC). Also called: Tuberous Sclerosis Complex; Tuberous sclerosis. Identifiers: Orphanet 805, MedGen C0041341, MONDO:0001734.

Submissions (2):

Color Diagnostics, LLC DBA Color Health
Classification: Uncertain significance for Tuberous sclerosis syndrome. Last evaluated: 2025-08-30. Review status: criteria provided, single submitter. Criteria: ACMG Guidelines, 2015. Collection method: clinical testing. Allele origin: germline.
Comment: This missense variant replaces valine with alanine at codon 21 of the TSC1 protein. Computational prediction suggests that this variant may not impact protein structure and function. To our knowledge, functional studies have not been reported for this variant. This variant has not been reported in individuals affected with TSC1-related disorders in the literature. This variant has not been identified in the general population by the Genome Aggregation Database (gnomAD). The available evidence is insufficient to determine the role of this variant in disease conclusively. Therefore, this variant is classified as a Variant of Uncertain Significance.

Ambry Genetics
Classification: Uncertain significance for Hereditary cancer-predisposing syndrome. Last evaluated: 2025-06-02. Review status: criteria provided, single submitter. Criteria: Ambry Variant Classification Scheme 2023. Collection method: clinical testing. Allele origin: germline.
Comment: The p.V21A variant (also known as c.62T>C), located in coding exon 1 of the TSC1 gene, results from a T to C substitution at nucleotide position 62. The valine at codon 21 is replaced by alanine, an amino acid with similar properties. This amino acid position is conserved. In addition, the in silico prediction for this alteration is inconclusive. Based on the available evidence, the clinical significance of this variant remains unclear.